The following is an entry in ClinVar:

NM_000059.4(BRCA2):c.8126G>T (p.Ser2709Ile)

Gene: BRCA2 (BRCA2 DNA repair associated; plus strand). Cytogenetic location: 13q13.1.
Variant type: single nucleotide variant.
Coding change: c.8126G>T on transcript NM_000059.4 (MANE Select); coding-DNA position 8126, G replaced by T.
Protein change: p.Ser2709Ile; replaces serine 2709 with isoleucine.
Molecular consequence: missense variant.
Genome position (GRCh38, 1-based): chr13:32,363,328, G>T. VCF-style: chr13-32363328-G-T. GRCh37 (hg19) VCF-style: chr13-32937465-G-T.
Other names: c.8030G>T, p.Ser2677Ile (NM_001406719.1); c.8126G>T, p.Ser2709Ile (NM_001406720.1); c.3194G>T, p.Ser1065Ile (NM_001406721.1); c.1709G>T, p.Ser570Ile (NM_001406722.1); short protein forms S1065I, S2677I, S2709I, S570I.
Identifiers: ClinVar variation 2016734 (VCV002016734.4), dbSNP rs2137580952, ClinGen allele CA387749409.
Genomic context (GRCh38, chr13:32,363,328, plus strand): 5'-GTGTTTCTGACATAATTTCATTGAGCGCAAATATATCTGAAACTTCTAGCAATAAAACTA[G>T]TAGTGCAGATACCCAAAAAGTGGCCATTATTGAACTTACAGATGGGTGGTATGCTGTTAA-3'
Protein context (NP_000050.3, residues 2699-2719): NISETSSNKT[Ser2709Ile]SADTQKVAII

ClinVar aggregate classification (germline): Uncertain significance (1 of 4 stars; one submission).

Conditions:
Hereditary breast ovarian cancer syndrome. Also called: Hereditary breast and/or ovarian cancer syndrome; Hereditary breast and ovarian cancer syndrome; BRCA1- and BRCA2-Associated Hereditary Breast and Ovarian Cancer; Breast and ovarian cancer; Hereditary breast and ovarian cancer; Hereditary breast and ovarian cancer syndrome (HBOC). Identifiers: Orphanet 145, MedGen C0677776, MeSH D061325, MONDO:0003582. Disease mechanism: loss of function.

Submission:

Labcorp Genetics (formerly Invitae), Labcorp
Classification: Uncertain significance for Hereditary breast ovarian cancer syndrome. Last evaluated: 2022-09-19. Review status: criteria provided, single submitter. Criteria: Invitae Variant Classification Sherloc (09022015). Collection method: clinical testing. Allele origin: germline.
Comment: In summary, the available evidence is currently insufficient to determine the role of this variant in disease. Therefore, it has been classified as a Variant of Uncertain Significance. Advanced modeling of protein sequence and biophysical properties (such as structural, functional, and spatial information, amino acid conservation, physicochemical variation, residue mobility, and thermodynamic stability) performed at Invitae indicates that this missense variant is not expected to disrupt BRCA2 protein function. This variant has not been reported in the literature in individuals affected with BRCA2-related conditions. This variant is not present in population databases (gnomAD no frequency). This sequence change replaces serine, which is neutral and polar, with isoleucine, which is neutral and non-polar, at codon 2709 of the BRCA2 protein (p.Ser2709Ile).